The following is an entry in ClinVar:

NM_024334.3(TMEM43):c.634G>C (p.Glu212Gln)

Gene: TMEM43 (transmembrane protein 43; plus strand). Cytogenetic location: 3p25.1.
Variant type: single nucleotide variant.
Coding change: c.634G>C on transcript NM_024334.3 (MANE Select); coding-DNA position 634, G replaced by C.
Protein change: p.Glu212Gln; replaces glutamic acid 212 with glutamine.
Molecular consequence: missense variant.
Genome position (GRCh38, 1-based): chr3:14,134,820, G>C. VCF-style: chr3-14134820-G-C. GRCh37 (hg19) VCF-style: chr3-14176320-G-C.
Other names: c.637G>C, p.Glu213Gln (NM_001407274.1); c.634G>C, p.Glu212Gln (NM_001407275.1, NM_001407276.1, NM_001407277.1 and 1 more transcripts); c.619G>C, p.Glu207Gln (NM_001407278.1); c.484G>C, p.Glu162Gln (NM_001407280.1); short protein forms E207Q, E212Q, E162Q, E213Q.
Identifiers: ClinVar variation 2898886 (VCV002898886.4), dbSNP rs1186030063, ClinGen allele CA351535532.

ClinVar aggregate classification (germline): Uncertain significance. Review status: criteria provided, multiple submitters, no conflicts (2 of 4 stars). 2 submissions from 2 submitters: Uncertain significance (2). Last evaluated 2025-07-14.

Conditions:
Cardiomyopathy (CMYO). Also called: Cardiomyopathies. Identifiers: Orphanet 167848, MedGen C0878544, MONDO:0004994, HP:0001638. Inheritance: Various modes of inheritance.
Arrhythmogenic right ventricular dysplasia 5. Also called: Arrhythmogenic Right Ventricular Dysplasia/Cardiomyopathy 5; ARRHYTHMOGENIC RIGHT VENTRICULAR DYSPLASIA, FAMILIAL, 5. Identifiers: MedGen C1858379, MONDO:0011459, OMIM 604400.

Allele frequency attached by ClinVar (database versions not stated): TOPMed below 0.00001; gnomAD exomes below 0.00001.
gnomAD v4.1: 1 of 1,614,182 alleles (0.000062%); highest among the groups gnomAD compares: Non-Finnish European, 0.000085%; no homozygotes.

Submissions (2):

Color Diagnostics, LLC DBA Color Health
Classification: Uncertain significance for Cardiomyopathy. Last evaluated: 2025-07-14. Review status: criteria provided, single submitter. Criteria: ACMG Guidelines, 2015. Collection method: clinical testing. Allele origin: germline.
Comment: This missense variant replaces glutamic acid with glutamine at codon 212 of the TMEM43 protein. Computational prediction suggests that this variant may not impact protein structure and function. To our knowledge, functional studies have not been reported for this variant. This variant has not been reported in individuals affected with TMEM43-related disorders in the literature. This variant has not been identified in the general population by the Genome Aggregation Database (gnomAD). The available evidence is insufficient to determine the role of this variant in disease conclusively. Therefore, this variant is classified as a Variant of Uncertain Significance.

Labcorp Genetics (formerly Invitae), Labcorp
Classification: Uncertain significance for Arrhythmogenic right ventricular dysplasia 5. Last evaluated: 2025-04-26. Review status: criteria provided, single submitter. Criteria: Invitae Variant Classification Sherloc (09022015). Collection method: clinical testing. Allele origin: germline.
Comment: This sequence change replaces glutamic acid, which is acidic and polar, with glutamine, which is neutral and polar, at codon 212 of the TMEM43 protein (p.Glu212Gln). This variant is not present in population databases (gnomAD no frequency). This variant has not been reported in the literature in individuals affected with TMEM43-related conditions. ClinVar contains an entry for this variant (Variation ID: 2898886). Invitae Evidence Modeling of protein sequence and biophysical properties (such as structural, functional, and spatial information, amino acid conservation, physicochemical variation, residue mobility, and thermodynamic stability) indicates that this missense variant is not expected to disrupt TMEM43 protein function with a negative predictive value of 80%. In summary, the available evidence is currently insufficient to determine the role of this variant in disease. Therefore, it has been classified as a Variant of Uncertain Significance.